The following is an entry in ClinVar:

ClinVar aggregate classification (germline): Uncertain significance (1 of 4 stars; one submission).

gnomAD v4.1: 32 of 1,585,112 alleles (0.002%); highest among the groups gnomAD compares: African/African-American, 0.016%; 1 homozygote.

Submission:

GeneDx
Classification: Uncertain significance. Last evaluated: 2024-07-10. Review status: criteria provided, single submitter. Criteria: GeneDx Variant Classification Process June 2021. Collection method: clinical testing. Allele origin: germline. Affected: yes.
Comment: In silico analysis indicates that this missense variant does not alter protein structure/function; Has not been previously published as pathogenic or benign to our knowledge

NM_001009944.3(PKD1):c.7076G>A (p.Arg2359Gln)

Gene: PKD1 (polycystin 1, transient receptor potential channel interacting; minus strand). Cytogenetic location: 16p13.3.
Variant type: single nucleotide variant.
Coding change: c.7076G>A on transcript NM_001009944.3 (MANE Select); coding-DNA position 7076, G replaced by A.
Protein change: p.Arg2359Gln; replaces arginine 2359 with glutamine.
Molecular consequence: missense variant.
Genome position (GRCh38, 1-based): chr16:2,106,938, C>T on the plus strand (G>A on the coding strand, the complement: PKD1 is on the minus strand). VCF-style: chr16-2106938-C-T. GRCh37 (hg19) VCF-style: chr16-2156939-C-T.
Other names: c.7076G>A, p.Arg2359Gln (NM_000296.4); short protein forms R2359Q.
Identifiers: ClinVar variation 3572595 (VCV003572595.1).
Genomic context (GRCh38, chr16:2,106,938, plus strand): 5'-TACACGGCCTGTGCCTTGCAGGACACACACTCCAAGGACACAATGGGCACCCGGCCACTC[C>T]GGATCAGCACCTGGCGTGGGAGTGGGGTTACCTCCAACACAGGTCTATTTGGCCTGCTGG-3'
Protein context (NP_001009944.3, residues 2349-2369): EEATNQTVLI[Arg2359Gln]SGRVPIVSLE